The following is an entry in ClinVar:

NM_014915.3(ANKRD26):c.3158C>T (p.Ser1053Phe)

Gene: ANKRD26 (ankyrin repeat domain containing 26; minus strand). Cytogenetic location: 10p12.1.
Variant type: single nucleotide variant.
Coding change: c.3158C>T on transcript NM_014915.3 (MANE Select); coding-DNA position 3158, C replaced by T.
Protein change: p.Ser1053Phe; replaces serine 1053 with phenylalanine.
Molecular consequence: missense variant.
Genome position (GRCh38, 1-based): chr10:27,035,292, G>A on the plus strand (C>T on the coding strand, the complement: ANKRD26 is on the minus strand). VCF-style: chr10-27035292-G-A. GRCh37 (hg19) VCF-style: chr10-27324221-G-A.
Other names: c.3155C>T, p.Ser1052Phe (NM_001256053.2); short protein forms S1052F, S1053F.
Identifiers: ClinVar variation 3914508 (VCV003914508.1).

ClinVar aggregate classification (germline): Uncertain significance (1 of 4 stars; one submission).

Conditions:
Inborn genetic diseases. Identifiers: MedGen C0950123, MeSH D030342.

gnomAD v4.1: 2 of 1,613,792 alleles (0.00012%); no homozygotes.

Submission:

Ambry Genetics
Classification: Uncertain significance for Inborn genetic diseases. Last evaluated: 2025-05-17. Review status: criteria provided, single submitter. Criteria: Ambry Variant Classification Scheme 2023. Collection method: clinical testing. Allele origin: germline.
Comment: The p.S1053F variant (also known as c.3158C>T), located in coding exon 24 of the ANKRD26 gene, results from a C to T substitution at nucleotide position 3158. The serine at codon 1053 is replaced by phenylalanine, an amino acid with highly dissimilar properties. This amino acid position is conserved. In addition, this alteration is predicted to be tolerated by in silico analysis. Based on the available evidence, the clinical significance of this variant remains unclear.